The following is an entry in ClinVar:

NM_173849.3(GSC):c.301G>A (p.Gly101Arg)

Gene: GSC (goosecoid homeobox; minus strand). Cytogenetic location: 14q32.13.
Variant type: single nucleotide variant.
Coding change: c.301G>A on transcript NM_173849.3 (MANE Select); coding-DNA position 301, G replaced by A.
Protein change: p.Gly101Arg; replaces glycine 101 with arginine.
Molecular consequence: missense variant.
Genome position (GRCh38, 1-based): chr14:94,769,715, C>T on the plus strand (G>A on the coding strand, the complement: GSC is on the minus strand). VCF-style: chr14-94769715-C-T. GRCh37 (hg19) VCF-style: chr14-95236052-C-T.
Other names: short protein forms G101R.
Identifiers: ClinVar variation 1983604 (VCV001983604.1), dbSNP rs1025867069, ClinGen allele CA265934390.
Genomic context (GRCh38, chr14:94,769,715, plus strand): 5'-CCCTACCTGGGGGCGTCGGGACGCAGGAGCACTGCTGGGCGCCCAGCGGCGGCACGGCCC[C>T]GCAGCAGGCCGGGCCCACGGGCGCCGCCTGCACGTGCAGCTGCCCGTAGAAGTAGTTGTT-3'
Protein context (NP_776248.1, residues 91-111): QAAPVGPACC[Gly101Arg]AVPPLGAQQC

ClinVar aggregate classification (germline): Uncertain significance (1 of 4 stars; one submission).

Allele frequency attached by ClinVar (database versions not stated): TOPMed 0.00001.
gnomAD v4.1: 26 of 1,449,922 alleles (0.0018%); highest among the groups gnomAD compares: Non-Finnish European, 0.0023%; no homozygotes.

Submission:

Labcorp Genetics (formerly Invitae), Labcorp
Classification: Uncertain significance. Last evaluated: 2022-03-01. Review status: criteria provided, single submitter. Criteria: Invitae Variant Classification Sherloc (09022015). Collection method: clinical testing. Allele origin: germline.
Comment: This sequence change replaces glycine, which is neutral and non-polar, with arginine, which is basic and polar, at codon 101 of the GSC protein (p.Gly101Arg). This variant is not present in population databases (gnomAD no frequency). This variant has not been reported in the literature in individuals affected with GSC-related conditions. Algorithms developed to predict the effect of missense changes on protein structure and function are either unavailable or do not agree on the potential impact of this missense change (SIFT: "Deleterious"; PolyPhen-2: "Possibly Damaging"; Align-GVGD: "Class C15"). Algorithms developed to predict the effect of sequence changes on RNA splicing suggest that this variant may create or strengthen a splice site. In summary, the available evidence is currently insufficient to determine the role of this variant in disease. Therefore, it has been classified as a Variant of Uncertain Significance.